The following is an entry in ClinVar:

NM_021971.4(GMPPB):c.128C>T (p.Ala43Val)

Gene: GMPPB (GDP-mannose pyrophosphorylase B; minus strand). Cytogenetic location: 3p21.31.
Variant type: single nucleotide variant.
Coding change: c.128C>T on transcript NM_021971.4 (MANE Select); coding-DNA position 128, C replaced by T.
Protein change: p.Ala43Val; replaces alanine 43 with valine.
Molecular consequence: missense variant.
Genome position (GRCh38, 1-based): chr3:49,723,599, G>A on the plus strand (C>T on the coding strand, the complement: GMPPB is on the minus strand). VCF-style: chr3-49723599-G-A. GRCh37 (hg19) VCF-style: chr3-49761032-G-A.
Other names: c.128C>T, p.Ala43Val (NM_013334.4); short protein forms A43V.
Identifiers: ClinVar variation 851203 (VCV000851203.7), dbSNP rs2080459950, ClinGen allele CA352831209.
Genomic context (GRCh38, chr3:49,723,599, plus strand): 5'-TGGCCATCCCTAGTCCCGCCAGATCCGAACGCGACTCTGATCCCGACCCAGGGTCTTACC[G>A]CGGCTAGCGCCTCCACTTGGTGCAGCAAGATGGGCTTATTGCAGAAGTCCACCAGTGGCT-3'
Protein context (NP_068806.2, residues 33-53): ILLHQVEALA[Ala43Val]AGVDHVILAV

ClinVar aggregate classification (germline): Uncertain significance (1 of 4 stars; one submission).

Conditions:
Muscular dystrophy-dystroglycanopathy (congenital with brain and eye anomalies), type A14. Also called: Congenital muscular dystrophy-dystroglycanopathy with brain and eye anomalies, type A14; WALKER-WARBURG SYNDROME OR MUSCLE-EYE-BRAIN DISEASE, GMPPB-RELATED; Muscular dystrophy-dystroglycanopathy (congenital with brain and eye anomalies), type a, 14; Congenital Muscular Dystrophy-Dystroglycanopathy with Brain and Eye Anomalies Type A 14. Identifiers: Orphanet 588, MedGen C3809216, MONDO:0014140, OMIM 615350.
Muscular dystrophy-dystroglycanopathy (congenital with impaired intellectual development), type B, 14. Also called: Congenital muscular dystrophy-dystroglycanopathy with mental retardation, type B14; MUSCULAR DYSTROPHY, CONGENITAL, GMPPB-RELATED; Muscular dystrophy-dystroglycanopathy (congenital with intellectual disability), type B14. Identifiers: MedGen C3809221, MONDO:0014141, OMIM 615351.
Autosomal recessive limb-girdle muscular dystrophy type 2T. Also called: Limb-girdle muscular dystrophy-dystroglycanopathy, type C14; MUSCULAR DYSTROPHY-DYSTROGLYCANOPATHY, LIMB-GIRDLE, GMPPB-RELATED; MUSCULAR DYSTROPHY, LIMB-GIRDLE, TYPE 2T; Muscular dystrophy-dystroglycanopathy (limb-girdle), type c, 14. Identifiers: Orphanet 363623, MedGen C4518000, MONDO:0014142, OMIM 615352.

Submission:

Labcorp Genetics (formerly Invitae), Labcorp
Classification: Uncertain significance for Autosomal recessive limb-girdle muscular dystrophy type 2T; Muscular dystrophy-dystroglycanopathy (congenital with brain and eye anomalies), type A14; Muscular dystrophy-dystroglycanopathy (congenital with impaired intellectual development), type B, 14. Last evaluated: 2022-03-27. Review status: criteria provided, single submitter. Criteria: Invitae Variant Classification Sherloc (09022015). Collection method: clinical testing. Allele origin: germline.
Comment: This sequence change replaces alanine, which is neutral and non-polar, with valine, which is neutral and non-polar, at codon 43 of the GMPPB protein (p.Ala43Val). This variant is not present in population databases (gnomAD no frequency). In summary, the available evidence is currently insufficient to determine the role of this variant in disease. Therefore, it has been classified as a Variant of Uncertain Significance. Algorithms developed to predict the effect of missense changes on protein structure and function (SIFT, PolyPhen-2, Align-GVGD) all suggest that this variant is likely to be tolerated. ClinVar contains an entry for this variant (Variation ID: 851203). This variant has not been reported in the literature in individuals affected with GMPPB-related conditions.